The following is an entry in ClinVar:

NM_004360.5(CDH1):c.170T>C (p.Phe57Ser)

Gene: CDH1 (cadherin 1; plus strand). Cytogenetic location: 16q22.1.
Variant type: single nucleotide variant.
Coding change: c.170T>C on transcript NM_004360.5 (MANE Select); coding-DNA position 170, T replaced by C.
Protein change: p.Phe57Ser; replaces phenylalanine 57 with serine.
Molecular consequence: missense variant. On other transcripts: 5 prime UTR variant (2).
Genome position (GRCh38, 1-based): chr16:68,801,676, T>C. VCF-style: chr16-68801676-T-C. GRCh37 (hg19) VCF-style: chr16-68835579-T-C.
Other names: c.170T>C, p.Phe57Ser (NM_001317184.2); c.-1446T>C (NM_001317185.2); c.-1650T>C (NM_001317186.2); short protein forms F57S.
Identifiers: ClinVar variation 3488654 (VCV003488654.1).
Genomic context (GRCh38, chr16:68,801,676, plus strand): 5'-GCTCTTGTCTTTAATCTGTCCAATTTCCTAATCTCTGTGATTTCTGCCCTGCAGTGAATT[T>C]TGAAGATTGCACCGGTCGACAAAGGACAGCCTATTTTTCCCTCGACACCCGATTCAAAGT-3'
Protein context (NP_004351.1, residues 47-67): ERGRVLGRVN[Phe57Ser]EDCTGRQRTA

ClinVar aggregate classification (germline): Uncertain significance (1 of 4 stars; one submission).

Conditions:
Hereditary cancer-predisposing syndrome. Also called: Tumor predisposition; Neoplastic Syndromes, Hereditary; Hereditary Cancer Syndrome; Hereditary neoplastic syndrome. Identifiers: Orphanet 140162, MedGen C0027672, MeSH D009386, MONDO:0015356.

Submission:

Ambry Genetics
Classification: Uncertain significance for Hereditary cancer-predisposing syndrome. Last evaluated: 2024-09-13. Review status: criteria provided, single submitter. Criteria: Ambry Variant Classification Scheme 2023. Collection method: clinical testing. Allele origin: germline.
Comment: The p.F57S variant (also known as c.170T>C), located in coding exon 3 of the CDH1 gene, results from a T to C substitution at nucleotide position 170. The phenylalanine at codon 57 is replaced by serine, an amino acid with highly dissimilar properties. This amino acid position is conserved. In addition, this alteration is predicted to be deleterious by in silico analysis. Based on the available evidence, the clinical significance of this variant remains unclear.